The following is an entry in ClinVar:

ClinVar aggregate classification (germline): Pathogenic (1 of 4 stars; one submission).

Submission:

Labcorp Genetics (formerly Invitae), Labcorp
Classification: Pathogenic. Last evaluated: 2022-06-15. Review status: criteria provided, single submitter. Criteria: Invitae Variant Classification Sherloc (09022015). Collection method: clinical testing. Allele origin: germline.
Comment: This sequence change creates a premature translational stop signal (p.Ala428Cysfs*23) in the AGBL5 gene. It is expected to result in an absent or disrupted protein product. Loss-of-function variants in AGBL5 are known to be pathogenic (PMID: 27764769, 27842159). For these reasons, this variant has been classified as Pathogenic. This variant has not been reported in the literature in individuals affected with AGBL5-related conditions. This variant is not present in population databases (gnomAD no frequency).

Literature cited by the submitters: PubMed 27764769; PubMed 27842159.

NM_021831.6(AGBL5):c.1281dup (p.Ala428fs)

Gene: AGBL5 (AGBL carboxypeptidase 5; plus strand). Cytogenetic location: 2p23.3.
Variant type: Duplication.
Coding change: c.1281dup on transcript NM_021831.6 (MANE Select); coding-DNA position 1281, one base duplicated (T; older notation c.1281dupT).
Protein change: p.Ala428fs; shifts the reading frame from alanine 428.
Molecular consequence: frameshift variant. On other transcripts: non-coding transcript variant (2).
Genome position (GRCh38, 1-based): chr2:27,056,054, T duplicated; the last of 2 consecutive T bases (chr2:27,056,053-27,056,054); duplicating either gives the same sequence. VCF-style (leftmost placement, unchanged base first): chr2-27056052-G-GT. GRCh37 (hg19) VCF-style: chr2-27278920-G-GT.
Other names: c.1281dup, p.Ala428Cysfs (NM_001035506.1); c.1281dup, p.Ala428fs (NM_001035507.3); short protein forms A428fs.
Identifiers: ClinVar variation 2007082 (VCV002007082.4), dbSNP rs2465465952, ClinGen allele CA2580066207.